The following is an entry in ClinVar:

ClinVar aggregate classification (germline): Pathogenic (1 of 4 stars; one submission).

Conditions:
Hereditary cancer-predisposing syndrome. Also called: Hereditary Cancer Syndrome; Neoplastic Syndromes, Hereditary; Tumor predisposition; Hereditary neoplastic syndrome. Identifiers: Orphanet 140162, MedGen C0027672, MeSH D009386, MONDO:0015356.

Submission:

Ambry Genetics
Classification: Pathogenic for Hereditary cancer-predisposing syndrome. Last evaluated: 2016-02-18. Review status: criteria provided, single submitter. Criteria: Ambry Variant Classification Scheme 2023. Collection method: clinical testing. Allele origin: germline.
Comment: The c.905delA pathogenic mutation, located in coding exon 4 of the PALB2 gene, results from a deletion of one nucleotide at nucleotide position 905, causing a translational frameshift with a predicted alternate stop codon. Since frameshifts are typically deleterious in nature, this alteration is interpreted as a disease-causing mutation (ACMG Recommendations for Standards for Interpretation and Reporting of Sequence Variations. Revision 2007. Genet Med. 2008;10:294).

NM_024675.4(PALB2):c.905del (p.Asn302fs)

Gene: PALB2 (partner and localizer of BRCA2; minus strand). Cytogenetic location: 16p12.2.
Variant type: Deletion.
Coding change: c.905del on transcript NM_024675.4 (MANE Select); coding-DNA position 905, one base deleted (A; older notation c.905delA).
Protein change: p.Asn302fs; shifts the reading frame from asparagine 302.
Molecular consequence: frameshift variant.
Genome position (GRCh38, 1-based): chr16:23,635,641, T deleted on the plus strand (A on the coding strand, the reverse complement: PALB2 is on the minus strand); the first of 2 consecutive T bases (chr16:23,635,641-23,635,642); deleting either gives the same sequence. VCF-style (leftmost placement, unchanged base first): chr16-23635640-GT-G. GRCh37 (hg19) VCF-style: chr16-23646961-GT-G.
Other names: c.905delA (NM_024675.3); short protein forms N302fs.
Identifiers: ClinVar variation 480236 (VCV000480236.5), dbSNP rs1555461553, ClinGen allele CA658658437.